The following is an entry in ClinVar:

NM_000404.4(GLB1):c.396+2T>C

Gene: GLB1 (galactosidase beta 1; minus strand). Cytogenetic location: 3p22.3.
Variant type: single nucleotide variant.
Coding change: c.396+2T>C on transcript NM_000404.4 (MANE Select); the canonical splice donor site of the intron after coding-DNA position 396, T replaced by C.
Molecular consequence: splice donor variant. On other transcripts: intron variant (1).
Genome position (GRCh38, 1-based): chr3:33,068,818, A>G on the plus strand (T>C on the coding strand, the complement: GLB1 is on the minus strand). VCF-style: chr3-33068818-A-G. GRCh37 (hg19) VCF-style: chr3-33110310-A-G.
Other names: c.396+2T>C (NM_001393580.1); c.246-3261T>C (NM_001135602.3); c.540+2T>C (NM_001317040.2); c.306+2T>C (NM_001079811.3).
Identifiers: ClinVar variation 372370 (VCV000372370.6), dbSNP rs1057517738, ClinGen allele CA16042439.

ClinVar aggregate classification (germline): Pathogenic/Likely pathogenic. Review status: criteria provided, multiple submitters, no conflicts (2 of 4 stars). 2 submissions from 2 submitters: Pathogenic (1); Likely pathogenic (1). Last evaluated 2023-01-20.

Conditions:
GM1 gangliosidosis. Identifiers: Orphanet 354, MedGen C0085131, MONDO:0018149.
Mucopolysaccharidosis, MPS-IV-B (MPS4B). Also called: Mucopolysaccharidosis type IV B; Mucopolysaccharidosis Type IVB (Morquio B Disease); Mucopolysaccharidosis type 4B; Mucopolysaccharidosis type IVB (Morquio); MPS IVB; Mucopolysaccharidosis Type IVB. Identifiers: Orphanet 309310, Orphanet 582, MedGen C0086652, MONDO:0009660, OMIM 253010.

Submissions (3):

Labcorp Genetics (formerly Invitae), Labcorp
Classification: Likely pathogenic for Mucopolysaccharidosis, MPS-IV-B; GM1 gangliosidosis. Last evaluated: 2023-01-20. Review status: criteria provided, single submitter. Criteria: Invitae Variant Classification Sherloc (09022015). Collection method: clinical testing. Allele origin: germline.
Comment: This sequence change affects a donor splice site in intron 3 of the GLB1 gene. It is expected to disrupt RNA splicing. Variants that disrupt the donor or acceptor splice site typically lead to a loss of protein function (PMID: 16199547), and loss-of-function variants in GLB1 are known to be pathogenic (PMID: 18524657). In summary, the currently available evidence indicates that the variant is pathogenic, but additional data are needed to prove that conclusively. Therefore, this variant has been classified as Likely Pathogenic. Algorithms developed to predict the effect of sequence changes on RNA splicing suggest that this variant may disrupt the consensus splice site. ClinVar contains an entry for this variant (Variation ID: 372370). This variant has not been reported in the literature in individuals affected with GLB1-related conditions. This variant is not present in population databases (gnomAD no frequency).

GeneDx
Classification: Pathogenic. Last evaluated: 2015-04-28. Review status: criteria provided, single submitter. Criteria: GeneDx Variant Classification (06012015). Collection method: clinical testing. Allele origin: germline. Affected: yes.
Comment: The c.396+2 T>C splice site variant in the GLB1 gene destroys the canonical splice donor site in intron 3. It is predicted to cause abnormal gene splicing, either leading to an abnormal message that is subject to nonsense -mediated mRNA decay, or to an abnormal protein product if the message is used for protein translation. Although this variant has not been previously reported to our knowledge, it is expected to be pathogenic.

Dr. Peter K. Rogan Lab, Western University
No classification provided (evidence only). Condition: Thyroid cancer, nonmedullary, 1. Review status: no classification provided. Collection method: in vitro. Allele origin: not applicable. Functional consequence: retained intron. Not counted in ClinVar's aggregate classification.

Literature cited by the submitters: PubMed 16199547 (cited by Labcorp Genetics (formerly Invitae), Labcorp); PubMed 18524657 (cited by Labcorp Genetics (formerly Invitae), Labcorp).